The following is an entry in ClinVar:

ClinVar aggregate classification (germline): Uncertain significance (1 of 4 stars; one submission).

Conditions:
Kabuki syndrome 2 (KABUK2). Also called: KDM6A-Related Kabuki Syndrome. Identifiers: Orphanet 2322, MedGen C3275495, MONDO:0010465, OMIM 300867.

Submission:

Labcorp Genetics (formerly Invitae), Labcorp
Classification: Uncertain significance for Kabuki syndrome 2. Last evaluated: 2025-12-04. Review status: criteria provided, single submitter. Criteria: Invitae Variant Classification Sherloc (09022015). Collection method: clinical testing. Allele origin: germline.
Comment: This sequence change replaces serine, which is neutral and polar, with arginine, which is basic and polar, at codon 603 of the KDM6A protein (p.Ser603Arg). This variant is not present in population databases (gnomAD no frequency). This variant has not been reported in the literature in individuals affected with KDM6A-related conditions. Invitae Evidence Modeling of protein sequence and biophysical properties (such as structural, functional, and spatial information, amino acid conservation, physicochemical variation, residue mobility, and thermodynamic stability) indicates that this missense variant is not expected to disrupt KDM6A protein function with a negative predictive value of 80%. In summary, the available evidence is currently insufficient to determine the role of this variant in disease. Therefore, it has been classified as a Variant of Uncertain Significance.

NM_001291415.2(KDM6A):c.1963A>C (p.Ser655Arg)

Gene: KDM6A (lysine demethylase 6A; plus strand). Cytogenetic location: Xp11.3.
Variant type: single nucleotide variant.
Coding change: c.1963A>C on transcript NM_001291415.2 (MANE Select); coding-DNA position 1963, A replaced by C.
Protein change: p.Ser655Arg; replaces serine 655 with arginine.
Molecular consequence: missense variant. On other transcripts: non-coding transcript variant (1).
Genome position (GRCh38, 1-based): chrX:45,063,701, A>C. VCF-style: chrX-45063701-A-C. GRCh37 (hg19) VCF-style: chrX-44922946-A-C.
Other names: c.1705A>C, p.Ser569Arg (NM_001410742.1, NM_001419814.1); c.1963A>C, p.Ser655Arg (NM_001419809.1); c.1861A>C, p.Ser621Arg (NM_001419810.1, NM_001419813.1); c.1828A>C, p.Ser610Arg (NM_001419811.1, NM_001291416.2); c.1807A>C, p.Ser603Arg (NM_001419812.1, NM_021140.4); c.1570A>C, p.Ser524Arg (NM_001419815.1, NM_001291418.2); c.1672A>C, p.Ser558Arg (NM_001291417.2); c.919A>C, p.Ser307Arg (NM_001291421.2); short protein forms S307R, S603R, S524R, S655R, S569R, S610R, S621R, S558R.
Identifiers: ClinVar variation 4705945 (VCV004705945.1).